The following is an entry in ClinVar:

ClinVar aggregate classification (germline): Uncertain significance (1 of 4 stars; one submission).

Allele frequency attached by ClinVar (database versions not stated): gnomAD 0.00008; ESP Exome Variant Server 0.00032; TOPMed 0.00009.
gnomAD v4.1: 170 of 1,613,878 alleles (0.011%); highest among the groups gnomAD compares: Non-Finnish European, 0.013%; no homozygotes.

Submission:

Labcorp Genetics (formerly Invitae), Labcorp
Classification: Uncertain significance. Last evaluated: 2022-06-09. Review status: criteria provided, single submitter. Criteria: Invitae Variant Classification Sherloc (09022015). Collection method: clinical testing. Allele origin: germline.
Comment: This sequence change replaces leucine, which is neutral and non-polar, with phenylalanine, which is neutral and non-polar, at codon 478 of the ASXL2 protein (p.Leu478Phe). This variant is present in population databases (rs368088924, gnomAD 0.01%). In summary, the available evidence is currently insufficient to determine the role of this variant in disease. Therefore, it has been classified as a Variant of Uncertain Significance. Algorithms developed to predict the effect of missense changes on protein structure and function output the following: SIFT: "Tolerated"; PolyPhen-2: "Benign"; Align-GVGD: "Class C0". The phenylalanine amino acid residue is found in multiple mammalian species, which suggests that this missense change does not adversely affect protein function. This variant has not been reported in the literature in individuals affected with ASXL2-related conditions.

NM_018263.6(ASXL2):c.1432C>T (p.Leu478Phe)

Gene: ASXL2 (ASXL transcriptional regulator 2; minus strand). Cytogenetic location: 2p23.3.
Variant type: single nucleotide variant.
Coding change: c.1432C>T on transcript NM_018263.6 (MANE Select); coding-DNA position 1432, C replaced by T.
Protein change: p.Leu478Phe; replaces leucine 478 with phenylalanine.
Molecular consequence: missense variant.
Genome position (GRCh38, 1-based): chr2:25,750,124, G>A on the plus strand (C>T on the coding strand, the complement: ASXL2 is on the minus strand). VCF-style: chr2-25750124-G-A. GRCh37 (hg19) VCF-style: chr2-25972993-G-A.
Other names: c.1258C>T, p.Leu420Phe (NM_001369346.1); c.652C>T, p.Leu218Phe (NM_001369347.1); short protein forms L218F, L478F, L420F.
Identifiers: ClinVar variation 2056772 (VCV002056772.4), dbSNP rs368088924, ClinGen allele CA1557819.